The following is an entry in ClinVar:

ClinVar aggregate classification (germline): Uncertain significance (1 of 4 stars; one submission).

Allele frequency attached by ClinVar (database versions not stated): gnomAD exomes below 0.00001; ExAC 0.00001.
gnomAD v4.1: 5 of 1,559,748 alleles (0.00032%); highest among the groups gnomAD compares: South Asian, 0.0012%; no homozygotes.

Submission:

Labcorp Genetics (formerly Invitae), Labcorp
Classification: Uncertain significance. Last evaluated: 2022-07-19. Review status: criteria provided, single submitter. Criteria: Invitae Variant Classification Sherloc (09022015). Collection method: clinical testing. Allele origin: germline.
Comment: This variant has not been reported in the literature in individuals affected with TAOK2-related conditions. In summary, the available evidence is currently insufficient to determine the role of this variant in disease. Therefore, it has been classified as a Variant of Uncertain Significance. Algorithms developed to predict the effect of missense changes on protein structure and function are either unavailable or do not agree on the potential impact of this missense change (SIFT: "Deleterious"; PolyPhen-2: "Probably Damaging"; Align-GVGD: "Class C15"). This variant is present in population databases (rs774239550, gnomAD 0.001%). This sequence change replaces arginine, which is basic and polar, with tryptophan, which is neutral and slightly polar, at codon 682 of the TAOK2 protein (p.Arg682Trp).

NM_016151.4(TAOK2):c.2044C>T (p.Arg682Trp)

Gene: TAOK2 (TAO kinase 2; plus strand). Cytogenetic location: 16p11.2.
Variant type: single nucleotide variant.
Coding change: c.2044C>T on transcript NM_016151.4 (MANE Select); coding-DNA position 2044, C replaced by T.
Protein change: p.Arg682Trp; replaces arginine 682 with tryptophan.
Molecular consequence: missense variant.
Genome position (GRCh38, 1-based): chr16:29,986,316, C>T. VCF-style: chr16-29986316-C-T. GRCh37 (hg19) VCF-style: chr16-29997637-C-T.
Other names: c.2044C>T, p.Arg682Trp (NM_001252043.2, NM_004783.4); short protein forms R682W.
Identifiers: ClinVar variation 2040246 (VCV002040246.4), dbSNP rs774239550, ClinGen allele CA7998296.
Genomic context (GRCh38, chr16:29,986,316, plus strand): 5'-CTGCCTCAGGACCTGAACAAGAAGCAGACCCAGAAGGACTTGGAGTGTGCACTGCTGCTT[C>T]GGCAGCACGAGGCCACGCGGGAGCTGGAGCTGCGGCAGCTCCAGGCCGTGCAGCGCACGC-3'
Protein context (NP_057235.2, residues 672-692): QKDLECALLL[Arg682Trp]QHEATRELEL